The following is an entry in ClinVar:

ClinVar aggregate classification (germline): Uncertain significance. Review status: criteria provided, multiple submitters, no conflicts (2 of 4 stars). 3 submissions from 3 submitters: Uncertain significance (3). Last evaluated 2025-08-31.

Conditions:
Hereditary cancer-predisposing syndrome. Also called: Hereditary neoplastic syndrome; Tumor predisposition; Neoplastic Syndromes, Hereditary; Hereditary Cancer Syndrome. Identifiers: Orphanet 140162, MedGen C0027672, MeSH D009386, MONDO:0015356.

Allele frequency attached by ClinVar (database versions not stated): gnomAD exomes below 0.00001.
gnomAD v4.1: 1 of 1,613,676 alleles (0.000062%); highest among the groups gnomAD compares: Non-Finnish European, 0.000085%; no homozygotes.

Submissions (3):

Ambry Genetics
Classification: Uncertain significance for Hereditary cancer-predisposing syndrome. Last evaluated: 2025-08-31. Review status: criteria provided, single submitter. Criteria: Ambry Variant Classification Scheme 2023. Collection method: clinical testing. Allele origin: germline.
Comment: The p.S1325N variant (also known as c.3974G>A), located in coding exon 31 of the POLE gene, results from a G to A substitution at nucleotide position 3974. The serine at codon 1325 is replaced by asparagine, an amino acid with highly similar properties. This amino acid position is conserved. In addition, this alteration is predicted to be tolerated by in silico analysis. Since supporting evidence is limited at this time, the clinical significance of this alteration remains unclear.

GeneDx
Classification: Uncertain significance. Last evaluated: 2023-02-16. Review status: criteria provided, single submitter. Criteria: GeneDx Variant Classification Process June 2021. Collection method: clinical testing. Allele origin: germline. Affected: yes.
Comment: Not observed at significant frequency in large population cohorts (gnomAD); In silico analysis supports that this missense variant does not alter protein structure/function; Has not been previously published as pathogenic or benign to our knowledge

Labcorp Genetics (formerly Invitae), Labcorp
Classification: Uncertain significance. Last evaluated: 2021-10-20. Review status: criteria provided, single submitter. Criteria: Invitae Variant Classification Sherloc (09022015). Collection method: clinical testing. Allele origin: germline.
Comment: This sequence change replaces serine with asparagine at codon 1325 of the POLE protein (p.Ser1325Asn). The serine residue is highly conserved and there is a small physicochemical difference between serine and asparagine. This variant is not present in population databases (ExAC no frequency). This variant has not been reported in the literature in individuals affected with POLE-related conditions. Algorithms developed to predict the effect of missense changes on protein structure and function are either unavailable or do not agree on the potential impact of this missense change (SIFT: "Deleterious"; PolyPhen-2: "Benign"; Align-GVGD: "Class C0"). In summary, the available evidence is currently insufficient to determine the role of this variant in disease. Therefore, it has been classified as a Variant of Uncertain Significance.

NM_006231.4(POLE):c.3974G>A (p.Ser1325Asn)

Gene: POLE (DNA polymerase epsilon, catalytic subunit; minus strand). Cytogenetic location: 12q24.33.
Variant type: single nucleotide variant.
Coding change: c.3974G>A on transcript NM_006231.4 (MANE Select); coding-DNA position 3974, G replaced by A.
Protein change: p.Ser1325Asn; replaces serine 1325 with asparagine.
Molecular consequence: missense variant.
Genome position (GRCh38, 1-based): chr12:132,649,337, C>T on the plus strand (G>A on the coding strand, the complement: POLE is on the minus strand). VCF-style: chr12-132649337-C-T. GRCh37 (hg19) VCF-style: chr12-133225923-C-T.
Other names: short protein forms S1325N.
Identifiers: ClinVar variation 1345825 (VCV001345825.9), dbSNP rs2138605570, ClinGen allele CA387384771.